The following is an entry in ClinVar:

ClinVar aggregate classification (germline): Uncertain significance. Review status: criteria provided, multiple submitters, no conflicts (2 of 4 stars). 2 submissions from 2 submitters: Uncertain significance (2). Last evaluated 2025-03-05.

Conditions:
Familial focal epilepsy with variable foci (FPEVF). Identifiers: Orphanet 98820, MedGen C1858477, MONDO:0020310.

Allele frequency attached by ClinVar (database versions not stated): gnomAD exomes below 0.00001 and 0.00001; TOPMed 0.00002.
gnomAD v4.1: 7 of 1,612,302 alleles (0.00043%); highest among the groups gnomAD compares: Non-Finnish European, 0.00059%; no homozygotes.

Submissions (2):

Labcorp Genetics (formerly Invitae), Labcorp
Classification: Uncertain significance for Familial focal epilepsy with variable foci. Last evaluated: 2025-03-05. Review status: criteria provided, single submitter. Criteria: Invitae Variant Classification Sherloc (09022015). Collection method: clinical testing. Allele origin: germline.
Comment: This sequence change replaces alanine, which is neutral and non-polar, with threonine, which is neutral and polar, at codon 126 of the DEPDC5 protein (p.Ala126Thr). This variant is present in population databases (no rsID available, gnomAD 0.0009%). This variant has not been reported in the literature in individuals affected with DEPDC5-related conditions. ClinVar contains an entry for this variant (Variation ID: 466486). Experimental studies and prediction algorithms are not available or were not evaluated, and the functional significance of this variant is currently unknown. In summary, the available evidence is currently insufficient to determine the role of this variant in disease. Therefore, it has been classified as a Variant of Uncertain Significance.

Blueprint Genetics
Classification: Uncertain significance. Last evaluated: 2018-09-05. Review status: criteria provided, single submitter. Criteria: ACMG Guidelines, 2015. Collection method: clinical testing. Allele origin: germline.

NM_001242896.3(DEPDC5):c.376G>A (p.Ala126Thr)

Gene: DEPDC5 (DEP domain containing 5, GATOR1 subcomplex subunit; plus strand). Cytogenetic location: 22q12.2.
Variant type: single nucleotide variant.
Coding change: c.376G>A on transcript NM_001242896.3 (MANE Select); coding-DNA position 376, G replaced by A.
Protein change: p.Ala126Thr; replaces alanine 126 with threonine.
Molecular consequence: missense variant. On other transcripts: non-coding transcript variant (5).
Genome position (GRCh38, 1-based): chr22:31,768,826, G>A. VCF-style: chr22-31768826-G-A. GRCh37 (hg19) VCF-style: chr22-32164812-G-A.
Other names: c.376G>A, p.Ala126Thr (NM_001007188.4, NM_001136029.4, NM_001242897.2 and 7 more transcripts); c.292G>A, p.Ala98Thr (NM_001369901.1, NM_001369902.1); short protein forms A126T, A98T.
Identifiers: ClinVar variation 466486 (VCV000466486.9), dbSNP rs1008310202, ClinGen allele CA323328455.